The following is an entry in ClinVar:

ClinVar aggregate classification (germline): Uncertain significance (1 of 4 stars; one submission).

Conditions:
POLD1-related polyposis and colorectal cancer syndrome (CRCS10). Also called: COLORECTAL CANCER, SUSCEPTIBILITY TO, ON CHROMOSOME 19q; Colorectal cancer 10; Colorectal cancer, susceptibility to, 10. Identifiers: Orphanet 220460, MedGen C2675481, MONDO:0012953, OMIM 612591.

Submission:

Labcorp Genetics (formerly Invitae), Labcorp
Classification: Uncertain significance for POLD1-related polyposis and colorectal cancer syndrome. Last evaluated: 2025-07-31. Review status: criteria provided, single submitter. Criteria: Invitae Variant Classification Sherloc (09022015). Collection method: clinical testing. Allele origin: germline.
Comment: This variant, c.1470_1472del, results in the deletion of 1 amino acid(s) of the POLD1 protein (p.Gln490del), but otherwise preserves the integrity of the reading frame. This variant is not present in population databases (gnomAD no frequency). This variant has not been reported in the literature in individuals affected with POLD1-related conditions. Experimental studies and prediction algorithms are not available or were not evaluated, and the functional significance of this variant is currently unknown. In summary, the available evidence is currently insufficient to determine the role of this variant in disease. Therefore, it has been classified as a Variant of Uncertain Significance.

NM_002691.4(POLD1):c.1467GCA[1] (p.Gln490del)

Gene: POLD1 (DNA polymerase delta 1, catalytic subunit; plus strand). Cytogenetic location: 19q13.33.
Variant type: Microsatellite.
Coding change: c.1467GCA[1] on transcript NM_002691.4 (MANE Select); one copy of the 3-base unit GCA starting at c.1467; the reference has two copies in a row; one copy, 3 bases deleted.
Protein change: p.Gln490del; deletes glutamine 490.
Molecular consequence: inframe deletion. On other transcripts: non-coding transcript variant (1).
Genome position (GRCh38, 1-based): chr19:50,406,493-50,406,495, GCA deleted; deleting any 3 consecutive bases within chr19:50,406,490-50,406,495 gives the same sequence; the position shown is the placement nearest the transcript's 3' end. VCF-style (leftmost placement, unchanged base first): chr19-50406489-TGCA-T. GRCh37 (hg19) VCF-style: chr19-50909746-TGCA-T.
Other names: c.1467GCA[1], p.Gln490del (NM_001438210.1, NM_001438211.1, NM_001438212.1 and 3 more transcripts); short protein forms Q490del.
Identifiers: ClinVar variation 4723018 (VCV004723018.1).